The following is an entry in ClinVar:

NM_006509.4(RELB):c.85G>C (p.Ala29Pro)

Genes: RELB (RELB proto-oncogene, NF-kB subunit; plus strand), LOC130064661 (ATAC-STARR-seq lymphoblastoid silent region 10746; plus strand). Cytogenetic location: 19q13.32.
Variant type: single nucleotide variant.
Coding change: c.85G>C on transcript NM_006509.4 (MANE Select); coding-DNA position 85, G replaced by C.
Protein change: p.Ala29Pro; replaces alanine 29 with proline.
Molecular consequence: missense variant.
Genome position (GRCh38, 1-based): chr19:45,001,664, G>C. VCF-style: chr19-45001664-G-C. GRCh37 (hg19) VCF-style: chr19-45504922-G-C.
Other names: c.85G>C, p.Ala29Pro (NM_001411087.1); short protein forms A29P.
Identifiers: ClinVar variation 3641728 (VCV003641728.2).

ClinVar aggregate classification (germline): Uncertain significance (1 of 4 stars; one submission).

Submission:

Labcorp Genetics (formerly Invitae), Labcorp
Classification: Uncertain significance. Last evaluated: 2024-02-24. Review status: criteria provided, single submitter. Criteria: Invitae Variant Classification Sherloc (09022015). Collection method: clinical testing. Allele origin: germline.
Comment: This sequence change replaces alanine, which is neutral and non-polar, with proline, which is neutral and non-polar, at codon 29 of the RELB protein (p.Ala29Pro). This variant is not present in population databases (gnomAD no frequency). This variant has not been reported in the literature in individuals affected with RELB-related conditions. An algorithm developed to predict the effect of missense changes on protein structure and function (PolyPhen-2) suggests that this variant is likely to be disruptive. In summary, the available evidence is currently insufficient to determine the role of this variant in disease. Therefore, it has been classified as a Variant of Uncertain Significance.